The following is an entry in ClinVar:

NM_001040142.2(SCN2A):c.99A>G (p.Lys33=)

Gene: SCN2A (sodium voltage-gated channel alpha subunit 2; plus strand). Cytogenetic location: 2q24.3.
Variant type: single nucleotide variant.
Coding change: c.99A>G on transcript NM_001040142.2 (MANE Select); coding-DNA position 99, A replaced by G.
Protein change: p.Lys33=; no amino-acid change (lysine 33 retained).
Molecular consequence: synonymous variant.
Genome position (GRCh38, 1-based): chr2:165,295,922, A>G. VCF-style: chr2-165295922-A-G. GRCh37 (hg19) VCF-style: chr2-166152432-A-G.
Other names: c.99A>G, p.Lys33= (NM_001040143.2, NM_001371246.1, NM_001371247.1 and 1 more transcripts).
Identifiers: ClinVar variation 4875099 (VCV004875099.2).

ClinVar aggregate classification (germline): Uncertain significance (1 of 4 stars; one submission).

Submission:

CeGaT Center for Human Genetics Tuebingen
Classification: Uncertain significance. Last evaluated: 2026-06-01. Review status: criteria provided, single submitter. Criteria: CeGaT Center For Human Genetics Tuebingen Variant Classification Criteria Version 2. Collection method: clinical testing. Allele origin: germline. Affected: yes. Observed: 1 variant allele.
Comment: SCN2A: PM2:Supporting, BP4